The following is an entry in ClinVar:

ClinVar aggregate classification (germline): Pathogenic (1 of 4 stars; one submission).

Conditions:
Cardiovascular phenotype. Identifiers: MedGen CN230736.
Hereditary cancer-predisposing syndrome. Also called: Hereditary Cancer Syndrome; Hereditary neoplastic syndrome; Neoplastic Syndromes, Hereditary; Tumor predisposition. Identifiers: Orphanet 140162, MedGen C0027672, MeSH D009386, MONDO:0015356.

Submission:

Ambry Genetics
Classification: Pathogenic for Cardiovascular phenotype; Hereditary cancer-predisposing syndrome. Last evaluated: 2020-09-14. Review status: criteria provided, single submitter. Criteria: Ambry Variant Classification Scheme 2023. Collection method: clinical testing. Allele origin: germline.
Comment: The c.5845_5846insAlu likely pathogenic variant results from an Alu element insertion located in coding exon 39 of the NF1 gene. In addition, Alu element insertions have been shown to contribute to pathogenicity by either disrupting a coding region or a splice signal (Belancio VP et al. Semin. Cancer Biol. 2010 Aug;20:200-10; Deininger P. Genome Biol. 2011 Dec;12:236). Based on the supporting evidence, this alteration is interpreted as a disease-causing mutation.

NM_000267.3:c.5845_5846insALU

Gene: NF1 (neurofibromin 1; plus strand).
Variant type: Insertion.
Identifiers: ClinVar variation 1750035 (VCV001750035.2).